The following is an entry in ClinVar:

ClinVar aggregate classification (germline): Likely benign (0 of 4 stars; one submission).

Conditions:
ECM1-related disorder. Also called: ECM1-related condition.

Allele frequency attached by ClinVar (database versions not stated): gnomAD 0.00011; gnomAD exomes 0.00012; TOPMed 0.00023; ExAC 0.00042.
gnomAD v4.1: 189 of 1,612,580 alleles (0.012%); highest among the groups gnomAD compares: Admixed American, 0.26%; no homozygotes.

Submission:

PreventionGenetics, part of Exact Sciences
Classification: Likely benign for ECM1-related condition. Last evaluated: 2022-05-25. Review status: no assertion criteria provided. Collection method: clinical testing. Allele origin: germline.
Comment: This variant is classified as likely benign based on ACMG/AMP sequence variant interpretation guidelines (Richards et al. 2015 PMID: 25741868, with internal and published modifications).

NM_004425.4(ECM1):c.146C>A (p.Pro49Gln)

Gene: ECM1 (extracellular matrix protein 1; plus strand). Cytogenetic location: 1q21.2.
Variant type: single nucleotide variant.
Coding change: c.146C>A on transcript NM_004425.4 (MANE Select); coding-DNA position 146, C replaced by A.
Protein change: p.Pro49Gln; replaces proline 49 with glutamine.
Molecular consequence: missense variant.
Genome position (GRCh38, 1-based): chr1:150,509,685, C>A. VCF-style: chr1-150509685-C-A. GRCh37 (hg19) VCF-style: chr1-150482161-C-A.
Other names: c.146C>A, p.Pro49Gln (NM_001202858.2, NM_022664.3); short protein forms P49Q.
Identifiers: ClinVar variation 3051759 (VCV003051759.2), dbSNP rs757500507, ClinGen allele CA1077332.